The following is an entry in ClinVar:

NM_002528.7(NTHL1):c.265G>T (p.Val89Phe)

Gene: NTHL1 (nth like DNA glycosylase 1; minus strand). Cytogenetic location: 16p13.3.
Variant type: single nucleotide variant.
Coding change: c.265G>T on transcript NM_002528.7 (MANE Select); coding-DNA position 265, G replaced by T.
Protein change: p.Val89Phe; replaces valine 89 with phenylalanine.
Molecular consequence: missense variant. On other transcripts: intron variant (1).
Genome position (GRCh38, 1-based): chr16:2,046,217, C>A on the plus strand (G>T on the coding strand, the complement: NTHL1 is on the minus strand). VCF-style: chr16-2046217-C-A. GRCh37 (hg19) VCF-style: chr16-2096218-C-A.
Other names: c.265G>T, p.Val89Phe (NM_001318193.2); c.24+63G>T (NM_001318194.2); short protein forms V89F.
Identifiers: ClinVar variation 3922249 (VCV003922249.1).
Genomic context (GRCh38, chr16:2,046,217, plus strand): 5'-GCTCAGTCCCCAGATGGTCCACAGGTGCATCCTTTTTGTTCCTCATGGCACGGATGTTGA[C>A]CAGCTGTTGCTGCCAGTCCTGGGGCTCCCAGACTGGCACCTTGAGGGGCTCAGCCCCCTC-3'
Protein context (NP_002519.2, residues 79-99): WEPQDWQQQL[Val89Phe]NIRAMRNKKD

ClinVar aggregate classification (germline): Uncertain significance (1 of 4 stars; one submission).

Conditions:
Hereditary cancer-predisposing syndrome. Also called: Hereditary Cancer Syndrome; Hereditary neoplastic syndrome; Neoplastic Syndromes, Hereditary; Tumor predisposition. Identifiers: Orphanet 140162, MedGen C0027672, MeSH D009386, MONDO:0015356.

Submission:

Ambry Genetics
Classification: Uncertain significance for Hereditary cancer-predisposing syndrome. Last evaluated: 2025-04-12. Review status: criteria provided, single submitter. Criteria: Ambry Variant Classification Scheme 2023. Collection method: clinical testing. Allele origin: germline.
Comment: The p.V97F variant (also known as c.289G>T), located in coding exon 2 of the NTHL1 gene, results from a G to T substitution at nucleotide position 289. The valine at codon 97 is replaced by phenylalanine, an amino acid with highly similar properties. This amino acid position is conserved. In addition, this alteration is predicted to be tolerated by in silico analysis. Based on the available evidence, the clinical significance of this variant remains unclear.